The following is an entry in ClinVar:

ClinVar aggregate classification (germline): Uncertain significance (1 of 4 stars; one submission).

Submission:

Labcorp Genetics (formerly Invitae), Labcorp
Classification: Uncertain significance. Last evaluated: 2023-02-28. Review status: criteria provided, single submitter. Criteria: Invitae Variant Classification Sherloc (09022015). Collection method: clinical testing. Allele origin: germline.
Comment: In summary, the available evidence is currently insufficient to determine the role of this variant in disease. Therefore, it has been classified as a Variant of Uncertain Significance. Advanced modeling of protein sequence and biophysical properties (such as structural, functional, and spatial information, amino acid conservation, physicochemical variation, residue mobility, and thermodynamic stability) performed at Invitae indicates that this missense variant is expected to disrupt LRP6 protein function. This variant has not been reported in the literature in individuals affected with LRP6-related conditions. This variant is not present in population databases (gnomAD no frequency). This sequence change replaces glutamine, which is neutral and polar, with proline, which is neutral and non-polar, at codon 551 of the LRP6 protein (p.Gln551Pro).

NM_002336.3(LRP6):c.1652A>C (p.Gln551Pro)

Gene: LRP6 (LDL receptor related protein 6; minus strand). Cytogenetic location: 12p13.2.
Variant type: single nucleotide variant.
Coding change: c.1652A>C on transcript NM_002336.3 (MANE Select); coding-DNA position 1652, A replaced by C.
Protein change: p.Gln551Pro; replaces glutamine 551 with proline.
Molecular consequence: missense variant. On other transcripts: non-coding transcript variant (1), intron variant (1).
Genome position (GRCh38, 1-based): chr12:12,165,189, T>G on the plus strand (A>C on the coding strand, the complement: LRP6 is on the minus strand). VCF-style: chr12-12165189-T-G. GRCh37 (hg19) VCF-style: chr12-12318123-T-G.
Other names: c.1652A>C, p.Gln551Pro (NM_001414244.1, NM_001414245.1, NM_001414246.1 and 4 more transcripts); c.1454A>C, p.Gln485Pro (NM_001414247.1); c.1199A>C, p.Gln400Pro (NM_001414252.1, NM_001414253.1, NM_001414254.1); c.1546-2770A>C (NM_001414255.1); short protein forms Q485P, Q551P, Q400P.
Identifiers: ClinVar variation 2841616 (VCV002841616.3), dbSNP rs2498881214, ClinGen allele CA383947157.